The following is an entry in ClinVar:

NM_032790.4(ORAI1):c.58G>T (p.Gly20Cys)

Genes: ORAI1 (ORAI calcium release-activated calcium modulator 1; plus strand), LOC130008987 (ATAC-STARR-seq lymphoblastoid silent region 4981; plus strand). Cytogenetic location: 12q24.31.
Variant type: single nucleotide variant.
Coding change: c.58G>T on transcript NM_032790.4 (MANE Select); coding-DNA position 58, G replaced by T.
Protein change: p.Gly20Cys; replaces glycine 20 with cysteine.
Genome position (GRCh38, 1-based): chr12:121,626,800, G>T. VCF-style: chr12-121626800-G-T. GRCh37 (hg19) VCF-style: chr12-122064705-G-T.
Other names: short protein forms G20C.
Identifiers: ClinVar variation 1902722 (VCV001902722.6), dbSNP rs1244560316, ClinGen allele CA386980367.

ClinVar aggregate classification (germline): Uncertain significance. Review status: criteria provided, multiple submitters, no conflicts (2 of 4 stars). 2 submissions from 2 submitters: Uncertain significance (2). Last evaluated 2025-06-15.

Conditions:
Myopathy, tubular aggregate, 2 (TAM2). Identifiers: MedGen C4014557, MONDO:0014383, OMIM 615883.
Combined immunodeficiency due to ORAI1 deficiency. Also called: IMMUNODEFICIENCY 9. Identifiers: Orphanet 169090, Orphanet 317428, MedGen C2748568, MONDO:0013007, OMIM 612782.

Submissions (2):

Labcorp Genetics (formerly Invitae), Labcorp
Classification: Uncertain significance for Myopathy, tubular aggregate, 2; Combined immunodeficiency due to ORAI1 deficiency. Last evaluated: 2025-06-15. Review status: criteria provided, single submitter. Criteria: Invitae Variant Classification Sherloc (09022015). Collection method: clinical testing. Allele origin: germline.
Comment: This sequence change replaces glycine, which is neutral and non-polar, with cysteine, which is neutral and slightly polar, at codon 20 of the ORAI1 protein (p.Gly20Cys). This variant is present in population databases (no rsID available, gnomAD 0.05%). This variant has not been reported in the literature in individuals affected with ORAI1-related conditions. ClinVar contains an entry for this variant (Variation ID: 1902722). Experimental studies and prediction algorithms are not available or were not evaluated, and the functional significance of this variant is currently unknown. In summary, the available evidence is currently insufficient to determine the role of this variant in disease. Therefore, it has been classified as a Variant of Uncertain Significance.

Women's Health and Genetics/Laboratory Corporation of America, LabCorp
Classification: Uncertain significance. Last evaluated: 2025-05-08. Review status: criteria provided, single submitter. Criteria: LabCorp Variant Classification Summary - May 2015. Collection method: clinical testing. Allele origin: germline.
Comment: Variant summary: ORAI1 c.58G>T (p.Gly20Cys) results in a non-conservative amino acid change in the encoded protein sequence. Algorithms developed to predict the effect of missense changes on protein structure and function are either unavailable or do not agree on the potential impact of this missense change. The frequency data for this variant in gnomAD is considered unreliable, as metrics indicate poor data quality at this position. To our knowledge, no occurrence of c.58G>T in individuals affected with Myopathy, Tubular Aggregate, 2 and no experimental evidence demonstrating its impact on protein function have been reported. ClinVar contains an entry for this variant (Variation ID: 1902722). Based on the evidence outlined above, the variant was classified as uncertain significance.